The following is an entry in ClinVar:

NM_001025295.3(IFITM5):c.-10G>A

Gene: IFITM5 (interferon induced transmembrane protein 5; minus strand). Cytogenetic location: 11p15.5.
Variant type: single nucleotide variant.
Coding change: c.-10G>A on transcript NM_001025295.3 (MANE Select); 10 bases upstream of the start codon, G replaced by A.
Molecular consequence: 5 prime UTR variant.
Genome position (GRCh38, 1-based): chr11:299,500, C>T on the plus strand (G>A on the coding strand, the complement: IFITM5 is on the minus strand). VCF-style: chr11-299500-C-T. GRCh37 (hg19) VCF-style: chr11-299500-C-T.
Other names: c.-10G>A (NM_001025295.2).
Identifiers: ClinVar variation 193130 (VCV000193130.7), dbSNP rs770089325, ClinGen allele CA238638.
Genomic context (GRCh38, chr11:299,500, plus strand): 5'-CTTGCTGGGCGTGGGGGCCCGGGTGTCCTCGCGGGGATACGCCGTGTCCATGGGTTCCAG[C>T]GCCGTCTCTTCCACACTCAGACTGGTGCTGGGAGGGTGGGCACCCGCTCACTTATAGCCC-3'

ClinVar aggregate classification (germline): Uncertain significance. Review status: criteria provided, single submitter (1 of 4 stars). 2 submissions from 2 submitters: Uncertain significance (1). 1 of the submissions does not count toward it. Last evaluated 2015-04-09.

Conditions:
IFITM5-related disorder. Also called: IFITM5-related condition.

Allele frequency attached by ClinVar (database versions not stated): ExAC below 0.00001; gnomAD 0.00003 and 0.00006; gnomAD exomes 0.00004 and 0.00005; TOPMed 0.00005.

Submissions (2):

Eurofins Ntd Llc (ga)
Classification: Uncertain significance. Last evaluated: 2015-04-09. Review status: criteria provided, single submitter. Criteria: EGL Classification Definitions 2015. Collection method: clinical testing. Allele origin: germline. Observed: 1 variant allele, 1 heterozygote.

PreventionGenetics, part of Exact Sciences
Classification: Likely benign for IFITM5-related condition. Last evaluated: 2019-04-09. Review status: no assertion criteria provided. Collection method: clinical testing. Allele origin: germline. Not counted in ClinVar's aggregate classification.
Comment: This variant is classified as likely benign based on ACMG/AMP sequence variant interpretation guidelines (Richards et al. 2015 PMID: 25741868, with internal and published modifications).